The following is an entry in ClinVar:

NM_004046.6(ATP5F1A):c.1149A>G (p.Thr383=)

Gene: ATP5F1A (ATP synthase F1 subunit alpha; minus strand). Cytogenetic location: 18q21.1.
Variant type: single nucleotide variant.
Coding change: c.1149A>G on transcript NM_004046.6 (MANE Select); coding-DNA position 1149, A replaced by G.
Protein change: p.Thr383=; no amino-acid change (threonine 383 retained).
Molecular consequence: synonymous variant.
Genome position (GRCh38, 1-based): chr18:46,087,035, T>C on the plus strand (A>G on the coding strand, the complement: ATP5F1A is on the minus strand). VCF-style: chr18-46087035-T-C. GRCh37 (hg19) VCF-style: chr18-43667001-T-C.
Other names: c.999A>G, p.Thr333= (NM_001001935.3, NM_001257335.2); c.1149A>G, p.Thr383= (NM_001001937.2); c.1083A>G, p.Thr361= (NM_001257334.2).
Identifiers: ClinVar variation 3050416 (VCV003050416.2), dbSNP rs1427323644, ClinGen allele CA503984628.

ClinVar aggregate classification (germline): Likely benign (0 of 4 stars; one submission).

Conditions:
ATP5F1A-related disorder. Also called: ATP5F1A-related condition.

Allele frequency attached by ClinVar (database versions not stated): gnomAD exomes 0.00001.
gnomAD v4.1: 6 of 1,614,070 alleles (0.00037%); highest among the groups gnomAD compares: East Asian, 0.011%; 1 homozygote.

Submission:

PreventionGenetics, part of Exact Sciences
Classification: Likely benign for ATP5F1A-related condition. Last evaluated: 2023-12-11. Review status: no assertion criteria provided. Collection method: clinical testing. Allele origin: germline.
Comment: This variant is classified as likely benign based on ACMG/AMP sequence variant interpretation guidelines (Richards et al. 2015 PMID: 25741868, with internal and published modifications).